The following is an entry in ClinVar:

NM_000136.3(FANCC):c.881T>C (p.Val294Ala)

Genes: AOPEP (aminopeptidase O (putative); plus strand), FANCC (FA complementation group C; minus strand). Cytogenetic location: 9q22.32.
Variant type: single nucleotide variant.
Coding change: c.881T>C on transcript NM_000136.3 (MANE Select); coding-DNA position 881, T replaced by C.
Protein change: p.Val294Ala; replaces valine 294 with alanine.
Molecular consequence: missense variant.
Genome position (GRCh38, 1-based): chr9:95,126,544, A>G on the plus strand (T>C on the coding strand, the complement: FANCC is on the minus strand). VCF-style: chr9-95126544-A-G. GRCh37 (hg19) VCF-style: chr9-97888826-A-G.
Other names: c.881T>C, p.Val294Ala (NM_001243743.2, NM_001243744.2); short protein forms V294A.
Identifiers: ClinVar variation 2445350 (VCV002445350.5), dbSNP rs2541175755, ClinGen allele CA374109083.

ClinVar aggregate classification (germline): Conflicting classifications of pathogenicity. Review status: criteria provided, conflicting classifications (1 of 4 stars). 3 submissions from 3 submitters: Likely pathogenic (1); Uncertain significance (2). Last evaluated 2026-06-03.

Conditions:
Hereditary cancer-predisposing syndrome. Also called: Neoplastic Syndromes, Hereditary; Hereditary neoplastic syndrome; Tumor predisposition; Hereditary Cancer Syndrome. Identifiers: Orphanet 140162, MedGen C0027672, MeSH D009386, MONDO:0015356.
Fanconi anemia complementation group C (FANCC). Also called: FANCONI PANCYTOPENIA, TYPE 3; FACC; FANCC-Related Fanconi Anemia; Fanconi anemia, group C. Identifiers: Orphanet 84, MedGen C3468041, MONDO:0009213, OMIM 227645.
Ovarian cancer. Also called: OVARIAN CANCER, SOMATIC. Identifiers: Orphanet 213500, MedGen C1140680, MONDO:0008170, OMIM 167000.

Submissions (3):

Myriad Genetics, Inc.
Classification: Uncertain significance for Fanconi anemia complementation group C. Last evaluated: 2026-06-03. Review status: criteria provided, single submitter. Criteria: Myriad Autosomal Dominant, Autosomal Recessive and X-Linked Classification Criteria (2023). Collection method: clinical testing. Allele origin: unknown.
Comment: NM_000136.2(FANCC):c.881T>C(V294A) is a missense variant classified as a variant of uncertain significance in the context of Fanconi anemia, FANCC-related. V294A has not been observed in cases with relevant disease. Relevant functional assessments of this variant are not available in the literature. V294A has not been observed in referenced population frequency databases. In summary, there is insufficient evidence to classify NM_000136.2(FANCC):c.881T>C(V294A) as pathogenic or benign. Please note: this variant was assessed in the context of healthy population screening.

Ambry Genetics
Classification: Uncertain significance for Hereditary cancer-predisposing syndrome. Last evaluated: 2023-01-01. Review status: criteria provided, single submitter. Criteria: Ambry Variant Classification Scheme 2023. Collection method: clinical testing. Allele origin: germline.
Comment: The p.V294A variant (also known as c.881T>C), located in coding exon 8 of the FANCC gene, results from a T to C substitution at nucleotide position 881. The valine at codon 294 is replaced by alanine, an amino acid with similar properties. This amino acid position is conserved. In addition, the in silico prediction for this alteration is inconclusive. Since supporting evidence is limited at this time, the clinical significance of this alteration remains unclear.

Laboratory of Molecular Epidemiology of Birth Defects, West China Second University Hospital, Sichuan University
Classification: Likely pathogenic for Ovarian cancer. Last evaluated: 2022-01-01. Review status: criteria provided, single submitter. Criteria: ACMG Guidelines, 2015. Collection method: clinical testing. Allele origin: germline. Affected: yes.